The following is an entry in ClinVar:

NM_182961.4(SYNE1):c.10056T>C (p.Ser3352=)

Gene: SYNE1 (spectrin repeat containing nuclear envelope protein 1; minus strand). Cytogenetic location: 6q25.2.
Variant type: single nucleotide variant.
Coding change: c.10056T>C on transcript NM_182961.4 (MANE Select); coding-DNA position 10056, T replaced by C.
Protein change: p.Ser3352=; no amino-acid change (serine 3352 retained).
Molecular consequence: synonymous variant.
Genome position (GRCh38, 1-based): chr6:152,364,936, A>G on the plus strand (T>C on the coding strand, the complement: SYNE1 is on the minus strand). VCF-style: chr6-152364936-A-G. GRCh37 (hg19) VCF-style: chr6-152686071-A-G.
Other names: p.Ser3359=; c.10077T>C, p.Ser3359= (NM_033071.5).
Identifiers: ClinVar variation 198336 (VCV000198336.72), dbSNP rs140861713, ClinGen allele CA203372.

ClinVar aggregate classification (germline): Benign/Likely benign. Review status: criteria provided, multiple submitters, no conflicts (2 of 4 stars). 11 submissions from 10 submitters: Benign (7); Likely benign (3). 1 of the submissions does not count toward it. Last evaluated 2026-08-01.

Conditions:
SYNE1-related disorder. Also called: SYNE1-related disease; SYNE1-related condition; SYNE1-related disorders.
Emery-Dreifuss muscular dystrophy 4, autosomal dominant (EDMD4). Also called: EMERY-DREIFUSS MUSCULAR DYSTROPHY 4 WITH VARIABLE FEATURES. Identifiers: Orphanet 261, MedGen C2751807, MONDO:0013071, OMIM 612998.
Autosomal recessive ataxia, Beauce type. Also called: SYNE1 Deficiency; ATAXIA, RECESSIVE, OF BEAUCE; Spinocerebellar ataxia, autosomal recessive 8; SYNE1-Related Autosomal Recessive Cerebellar Ataxia. Identifiers: Orphanet 88644, MedGen C1853116, MONDO:0012549, OMIM 610743.

Allele frequency attached by ClinVar (database versions not stated): 1000 Genomes Project 0.00200; 1000 Genomes Project 30x 0.00203; TOPMed 0.00363; gnomAD exomes 0.00373 and 0.00614; gnomAD 0.00389 and 0.00395; ExAC 0.00432; ESP Exome Variant Server 0.00461.
gnomAD v4.1: 9,452 of 1,614,204 alleles (0.59%); highest among the groups gnomAD compares: Non-Finnish European, 0.72%; 39 homozygotes.

Submissions (11):

CeGaT Center for Human Genetics Tuebingen
Classification: Likely benign. Last evaluated: 2026-08-01. Review status: criteria provided, single submitter. Criteria: CeGaT Center For Human Genetics Tuebingen Variant Classification Criteria Version 2. Collection method: clinical testing. Allele origin: germline. Affected: yes. Observed: 26 variant alleles.
Comment: SYNE1: BP4, BP7, BS2

Labcorp Genetics (formerly Invitae), Labcorp
Classification: Benign for Emery-Dreifuss muscular dystrophy 4, autosomal dominant; Autosomal recessive ataxia, Beauce type. Last evaluated: 2026-01-24. Review status: criteria provided, single submitter. Criteria: Invitae Variant Classification Sherloc (09022015). Collection method: clinical testing. Allele origin: germline.

Women's Health and Genetics/Laboratory Corporation of America, LabCorp
Classification: Benign. Last evaluated: 2025-07-30. Review status: criteria provided, single submitter. Criteria: LabCorp Variant Classification Summary - May 2015. Collection method: clinical testing. Allele origin: germline.

ARUP Laboratories, Molecular Genetics and Genomics, ARUP Laboratories
Classification: Benign. Last evaluated: 2023-11-29. Review status: criteria provided, single submitter. Criteria: ARUP Molecular Germline Variant Investigation Process 2024. Collection method: clinical testing. Allele origin: germline.

Mayo Clinic Laboratories, Mayo Clinic
Classification: Benign. Last evaluated: 2018-11-28. Review status: criteria provided, single submitter. Criteria: ACMG Guidelines, 2015. Collection method: clinical testing. Allele origin: germline. Observed: 21 variant alleles.

Illumina Laboratory Services, Illumina
Classification: Likely benign for Autosomal recessive ataxia, Beauce type. Last evaluated: 2018-01-13. Review status: criteria provided, single submitter. Criteria: ICSL Variant Classification Criteria 13 December 2019. Collection method: clinical testing. Allele origin: germline.
Comment: This variant was observed in the ICSL laboratory as part of a predisposition screen in an ostensibly healthy population. It had not been previously curated by ICSL or reported in the Human Gene Mutation Database (HGMD: prior to June 1st, 2018), and was therefore a candidate for classification through an automated scoring system. Utilizing variant allele frequency, disease prevalence and penetrance estimates, and inheritance mode, an automated score was calculated to assess if this variant is too frequent to cause the disease. Based on the score and internal cut-off values, a variant classified as likely benign is not then subjected to further curation. The score for this variant resulted in a classification of likely benign for this disease.

Illumina Laboratory Services, Illumina
Classification: Benign for Emery-Dreifuss muscular dystrophy 4, autosomal dominant. Last evaluated: 2018-01-13. Review status: criteria provided, single submitter. Criteria: ICSL Variant Classification Criteria 13 December 2019. Collection method: clinical testing. Allele origin: germline.
Comment: This variant was observed in the ICSL laboratory as part of a predisposition screen in an ostensibly healthy population. It had not been previously curated by ICSL or reported in the Human Gene Mutation Database (HGMD: prior to June 1st, 2018), and was therefore a candidate for classification through an automated scoring system. Utilizing variant allele frequency, disease prevalence and penetrance estimates, and inheritance mode, an automated score was calculated to assess if this variant is too frequent to cause the disease. Based on the score and internal cut-off values, a variant classified as benign is not then subjected to further curation. The score for this variant resulted in a classification of benign for this disease.

GeneDx
Classification: Likely benign. Last evaluated: 2017-10-17. Review status: criteria provided, single submitter. Criteria: GeneDx Variant Classification (06012015). Collection method: clinical testing. Allele origin: germline. Affected: yes.
Comment: This variant is considered likely benign or benign based on one or more of the following criteria: it is a conservative change, it occurs at a poorly conserved position in the protein, it is predicted to be benign by multiple in silico algorithms, and/or has population frequency not consistent with disease.

Athena Diagnostics
Classification: Benign. Last evaluated: 2017-07-11. Review status: criteria provided, single submitter. Criteria: Athena Diagnostics Criteria. Collection method: clinical testing. Allele origin: germline.

Eurofins Ntd Llc (ga)
Classification: Benign. Last evaluated: 2015-02-18. Review status: criteria provided, single submitter. Criteria: EGL Classification Definitions 2015. Collection method: clinical testing. Allele origin: germline. Observed: 3 variant alleles, 3 heterozygotes.

PreventionGenetics, part of Exact Sciences
Classification: Benign for SYNE1-related condition. Last evaluated: 2020-04-27. Review status: no assertion criteria provided. Collection method: clinical testing. Allele origin: germline. Not counted in ClinVar's aggregate classification.
Comment: This variant is classified as benign based on ACMG/AMP sequence variant interpretation guidelines (Richards et al. 2015 PMID: 25741868, with internal and published modifications).